The following is an entry in ClinVar:

ClinVar aggregate classification (germline): Pathogenic (1 of 4 stars; one submission).

Conditions:
Multiple endocrine neoplasia, type 1 (MEN1). Also called: MEN I; WERMER SYNDROME; Endocrine adenomatosis multiple; MEN 1; MEA I. Identifiers: Orphanet 652, MedGen C0025267, MeSH D018761, MONDO:0007540, OMIM 131100.

Submission:

Labcorp Genetics (formerly Invitae), Labcorp
Classification: Pathogenic for Multiple endocrine neoplasia, type 1. Last evaluated: 2017-07-31. Review status: criteria provided, single submitter. Criteria: Invitae Variant Classification Sherloc (09022015). Collection method: clinical testing. Allele origin: germline.
Comment: For these reasons, this variant has been classified as Pathogenic. A different variant (c.1374_1381del, also known in the literature as 1484del8) giving rise to the same protein effect observed here (p.Ser459Glyfs*69) has been reported in an individual affected with MEN1 (PMID: 9215689). This frameshift truncates the functionally conserved nuclear localization signal of the MEN1 protein. Experimental studies have shown that disruption of this region abrogates the ability of MEN1 to bind DNA, regulate target gene expression, and inhibit cell proliferation (PMID: 15331604, 16449969). In addition, a different frameshift variant (p.Arg516Glyfs*43) with a premature termination codon downstream of this frameshift has been reported to be a common cause of multiple endocrine neoplasia type 1 (PMID: 17879353) This variant is not present in population databases (ExAC no frequency). This sequence change results in a premature translational stop signal in the MEN1 gene (p.Ser459Glyfs*69). While this is not anticipated to result in nonsense mediated decay, it is expected to disrupt the last 152 amino acids of the MEN1 protein.

Literature cited by the submitters: PubMed 9215689; PubMed 15331604; PubMed 16449969; PubMed 17879353.

NM_001370259.2(MEN1):c.1375_1382del (p.Ser459fs)

Gene: MEN1 (menin 1; minus strand). Cytogenetic location: 11q13.1.
Variant type: Deletion.
Coding change: c.1375_1382del on transcript NM_001370259.2 (MANE Select); coding-DNA positions 1375 to 1382, 8 bases deleted (AGCCGAGA; older notation c.1375_1382delAGCCGAGA).
Protein change: p.Ser459fs; shifts the reading frame from serine 459.
Molecular consequence: frameshift variant.
Genome position (GRCh38, 1-based): chr11:64,804,785-64,804,792, TCTCGGCT deleted on the plus strand (AGCCGAGA on the coding strand, the reverse complement: MEN1 is on the minus strand). VCF-style (leftmost placement, unchanged base first): chr11-64804784-CTCTCGGCT-C. GRCh37 (hg19) VCF-style: chr11-64572256-CTCTCGGCT-C.
Other names: c.1375_1382delAGCCGAGA (NM_130799.2); c.1390_1397del, p.Ser464fs (NM_000244.4, NM_130800.3, NM_130801.3 and 3 more transcripts); c.1501_1508del, p.Ser501fs (NM_001370251.2); c.1375_1382del, p.Ser459fs (NM_001370260.2, NM_001370261.2, NM_130799.3); c.1270_1277del, p.Ser424fs (NM_001370262.2, NM_001370263.2); short protein forms S464fs, S424fs, S501fs, S459fs.
Identifiers: ClinVar variation 457290 (VCV000457290.8), dbSNP rs1555163883, ClinGen allele CA658656131.